The following is an entry in ClinVar:

ClinVar aggregate classification (germline): Pathogenic/Likely pathogenic. Review status: criteria provided, multiple submitters, no conflicts (2 of 4 stars). 3 submissions from 3 submitters: Pathogenic (1); Likely pathogenic (1). 1 of the submissions does not count toward it. Last evaluated 2025-11-19.

Conditions:
Alkaptonuria (AKU). Also called: Alcaptonuria; Homogentisic acidura; Alkaptonuric ochronosis; HOMOGENTISIC ACID OXIDASE DEFICIENCY. Identifiers: Orphanet 56, MedGen C0002066, MONDO:0008753, OMIM 203500.

Allele frequency attached by ClinVar (database versions not stated): gnomAD exomes below 0.00001; TOPMed below 0.00001; gnomAD 0.00001; 1000 Genomes Project 30x 0.00016; 1000 Genomes Project 0.00020.
gnomAD v4.1: 2 of 1,613,978 alleles (0.00012%); highest among the groups gnomAD compares: Admixed American, 0.0033%; no homozygotes.

Submissions (3):

Labcorp Genetics (formerly Invitae), Labcorp
Classification: Pathogenic for Alkaptonuria. Last evaluated: 2025-11-19. Review status: criteria provided, single submitter. Criteria: Invitae Variant Classification Sherloc (09022015). Collection method: clinical testing. Allele origin: germline.
Comment: This sequence change affects a donor splice site in intron 1 of the HGD gene. It is expected to disrupt RNA splicing. Variants that disrupt the donor or acceptor splice site typically lead to a loss of protein function (PMID: 16199547), and loss-of-function variants in HGD are known to be pathogenic (PMID: 12501223, 19862842). This variant is not present in population databases (gnomAD no frequency). Disruption of this splice site has been observed in individual(s) with clinical features of alkaptonuria (internal data). ClinVar contains an entry for this variant (Variation ID: 370545). Algorithms developed to predict the effect of sequence changes on RNA splicing suggest that this variant may disrupt the consensus splice site. For these reasons, this variant has been classified as Pathogenic.

Fulgent Genetics
Classification: Likely pathogenic for Alkaptonuria. Last evaluated: 2024-06-18. Review status: criteria provided, single submitter. Criteria: ACMG Guidelines, 2015. Collection method: clinical testing. Allele origin: germline.

Counsyl
Classification: Likely pathogenic for Alkaptonuria. Last evaluated: 2016-02-26. Review status: no assertion criteria provided. Collection method: clinical testing. Allele origin: unknown. Not counted in ClinVar's aggregate classification.

Literature cited by the submitters: PubMed 16199547 (cited by Labcorp Genetics (formerly Invitae), Labcorp); PubMed 12501223 (cited by Labcorp Genetics (formerly Invitae), Labcorp); PubMed 19862842 (cited by Labcorp Genetics (formerly Invitae), Labcorp).

NM_000187.4(HGD):c.15+1G>A

Gene: HGD (homogentisate 1,2-dioxygenase; minus strand). Cytogenetic location: 3q13.33.
Variant type: single nucleotide variant.
Coding change: c.15+1G>A on transcript NM_000187.4 (MANE Select); the canonical splice donor site of the intron after coding-DNA position 15, G replaced by A.
Molecular consequence: splice donor variant.
Genome position (GRCh38, 1-based): chr3:120,682,096, C>T on the plus strand (G>A on the coding strand, the complement: HGD is on the minus strand). VCF-style: chr3-120682096-C-T. GRCh37 (hg19) VCF-style: chr3-120400943-C-T.
Identifiers: ClinVar variation 370545 (VCV000370545.12), dbSNP rs552207335, ClinGen allele CA16040900.